The following is an entry in ClinVar:

NM_013432.5(TONSL):c.311C>T (p.Thr104Met)

Gene: TONSL (tonsoku like, DNA repair protein; minus strand). Cytogenetic location: 8q24.3.
Variant type: single nucleotide variant.
Coding change: c.311C>T on transcript NM_013432.5 (MANE Select); coding-DNA position 311, C replaced by T.
Protein change: p.Thr104Met; replaces threonine 104 with methionine.
Molecular consequence: missense variant.
Genome position (GRCh38, 1-based): chr8:144,443,275, G>A on the plus strand (C>T on the coding strand, the complement: TONSL is on the minus strand). VCF-style: chr8-144443275-G-A. GRCh37 (hg19) VCF-style: chr8-145668658-G-A.
Other names: short protein forms T104M.
Identifiers: ClinVar variation 1969212 (VCV001969212.5), dbSNP rs777239143, ClinGen allele CA4943679.

ClinVar aggregate classification (germline): Uncertain significance (1 of 4 stars; one submission).

Allele frequency attached by ClinVar (database versions not stated): ExAC 0.00005.
gnomAD v4.1: 14 of 1,550,732 alleles (0.0009%); highest among the groups gnomAD compares: Middle Eastern, 0.017%; no homozygotes.

Submission:

Labcorp Genetics (formerly Invitae), Labcorp
Classification: Uncertain significance. Last evaluated: 2025-08-11. Review status: criteria provided, single submitter. Criteria: Invitae Variant Classification Sherloc (09022015). Collection method: clinical testing. Allele origin: germline.
Comment: This sequence change replaces threonine, which is neutral and polar, with methionine, which is neutral and non-polar, at codon 104 of the TONSL protein (p.Thr104Met). This variant is present in population databases (rs777239143, gnomAD 0.01%). This variant has not been reported in the literature in individuals affected with TONSL-related conditions. ClinVar contains an entry for this variant (Variation ID: 1969212). Invitae Evidence Modeling of protein sequence and biophysical properties (such as structural, functional, and spatial information, amino acid conservation, physicochemical variation, residue mobility, and thermodynamic stability) indicates that this missense variant is expected to disrupt TONSL protein function with a positive predictive value of 80%. In summary, the available evidence is currently insufficient to determine the role of this variant in disease. Therefore, it has been classified as a Variant of Uncertain Significance.